The following is an entry in ClinVar:

NM_001354604.2(MITF):c.1474C>T (p.Pro492Ser)

Gene: MITF (melanocyte inducing transcription factor; plus strand). Cytogenetic location: 3p13.
Variant type: single nucleotide variant.
Coding change: c.1474C>T on transcript NM_001354604.2 (MANE Select); coding-DNA position 1474, C replaced by T.
Protein change: p.Pro492Ser; replaces proline 492 with serine.
Molecular consequence: missense variant.
Genome position (GRCh38, 1-based): chr3:69,965,141, C>T. VCF-style: chr3-69965141-C-T. GRCh37 (hg19) VCF-style: chr3-70014292-C-T.
Other names: c.1153C>T, p.Pro385Ser (NM_000248.4); c.1300C>T, p.Pro434Ser (NM_001184967.2, NM_001354608.2); c.1471C>T, p.Pro491Ser (NM_001354605.2); c.1453C>T, p.Pro485Ser (NM_001354606.2, NM_006722.3); c.1405C>T, p.Pro469Ser (NM_001354607.2); c.1135C>T, p.Pro379Ser (NM_198158.3); c.1456C>T, p.Pro486Ser (NM_198159.3); c.1408C>T, p.Pro470Ser (NM_198177.3); and 1 more; short protein forms P323S, P379S, P385S, P434S, P469S, P470S, P485S, P486S.
Identifiers: ClinVar variation 1313766 (VCV001313766.8), dbSNP rs781298935, ClinGen allele CA2490678.

ClinVar aggregate classification (germline): Uncertain significance. Review status: criteria provided, multiple submitters, no conflicts (2 of 4 stars). 3 submissions from 3 submitters: Uncertain significance (3). Last evaluated 2026-06-01.

Conditions:
Melanoma, cutaneous malignant, susceptibility to, 8. Also called: MELANOMA AND RENAL CELL CARCINOMA, SUSCEPTIBILITY TO; Cutaneous malignant melanoma 8. Identifiers: Orphanet 293822, MedGen C3152204, MONDO:0013759, OMIM 614456.
Tietz syndrome (TADS). Also called: ALBINISM-DEAFNESS OF TIETZ; HYPOPIGMENTATION/DEAFNESS OF TIETZ; TIETZ ALBINISM-DEAFNESS SYNDROME. Identifiers: Orphanet 42665, MedGen C0391816, MONDO:0007077, OMIM 103500.
Waardenburg syndrome type 2A (WS2A). Also called: WAARDENBURG SYNDROME WITHOUT DYSTOPIA CANTHORUM. Identifiers: Orphanet 3440, MedGen C1860339, MONDO:0008671, OMIM 193510.
MITF-related disorder. Also called: MITF-related condition.

Allele frequency attached by ClinVar (database versions not stated): ExAC 0.00001; gnomAD 0.00001; TOPMed 0.00001.
gnomAD v4.1: 85 of 1,613,976 alleles (0.0053%); highest among the groups gnomAD compares: African/African-American, 0.008%; no homozygotes.

Submissions (3):

PreventionGenetics, part of Exact Sciences
Classification: Uncertain significance for MITF-related condition. Last evaluated: 2026-06-01. Review status: criteria provided, single submitter. Criteria: ACMG Guidelines, 2015. Collection method: clinical testing. Allele origin: germline.
Comment: The MITF c.1153C>T variant is predicted to result in the amino acid substitution p.Pro385Ser. To our knowledge, this variant has not been reported in the literature. This variant is reported in 0.0018% of alleles in individuals of European (Non-Finnish) descent in gnomAD. At this time, the clinical significance of this variant is uncertain due to the absence of conclusive functional and genetic evidence.

Labcorp Genetics (formerly Invitae), Labcorp
Classification: Uncertain significance for Melanoma, cutaneous malignant, susceptibility to, 8; Waardenburg syndrome type 2A; Tietz syndrome. Last evaluated: 2026-01-07. Review status: criteria provided, single submitter. Criteria: Invitae Variant Classification Sherloc (09022015). Collection method: clinical testing. Allele origin: germline.
Comment: This sequence change replaces proline, which is neutral and non-polar, with serine, which is neutral and polar, at codon 385 of the MITF protein (p.Pro385Ser). This variant is present in population databases (rs781298935, gnomAD 0.002%). This variant has not been reported in the literature in individuals affected with MITF-related conditions. ClinVar contains an entry for this variant (Variation ID: 1313766). Invitae Evidence Modeling of protein sequence and biophysical properties (such as structural, functional, and spatial information, amino acid conservation, physicochemical variation, residue mobility, and thermodynamic stability) indicates that this missense variant is not expected to disrupt MITF protein function with a negative predictive value of 80%. In summary, the available evidence is currently insufficient to determine the role of this variant in disease. Therefore, it has been classified as a Variant of Uncertain Significance.

GeneDx
Classification: Uncertain significance. Last evaluated: 2024-04-16. Review status: criteria provided, single submitter. Criteria: GeneDx Variant Classification Process June 2021. Collection method: clinical testing. Allele origin: germline. Affected: yes.
Comment: In silico analysis supports that this missense variant has a deleterious effect on protein structure/function; Has not been previously published as pathogenic or benign to our knowledge